The following is an entry in ClinVar:

NM_004369.4(COL6A3):c.9284T>C (p.Ile3095Thr)

Gene: COL6A3 (collagen type VI alpha 3 chain; minus strand). Cytogenetic location: 2q37.3.
Variant type: single nucleotide variant.
Coding change: c.9284T>C on transcript NM_004369.4 (MANE Select); coding-DNA position 9284, T replaced by C.
Protein change: p.Ile3095Thr; replaces isoleucine 3095 with threonine.
Molecular consequence: missense variant.
Genome position (GRCh38, 1-based): chr2:237,333,494, A>G on the plus strand (T>C on the coding strand, the complement: COL6A3 is on the minus strand). VCF-style: chr2-237333494-A-G. GRCh37 (hg19) VCF-style: chr2-238242137-A-G.
Other names: c.7463T>C, p.Ile2488Thr (NM_057166.5); c.8666T>C, p.Ile2889Thr (NM_057167.4); short protein forms I3095T, I2889T, I2488T.
Identifiers: ClinVar variation 423312 (VCV000423312.2), dbSNP rs1064796356, ClinGen allele CA16617498.

ClinVar aggregate classification (germline): Uncertain significance (1 of 4 stars; one submission).

Allele frequency attached by ClinVar (database versions not stated): gnomAD exomes below 0.00001; gnomAD 0.00001; TOPMed 0.00001 and 0.00002.
gnomAD v4.1: 3 of 1,614,068 alleles (0.00019%); highest among the groups gnomAD compares: African/African-American, 0.004%; no homozygotes.

Submission:

GeneDx
Classification: Uncertain significance. Last evaluated: 2017-02-13. Review status: criteria provided, single submitter. Criteria: GeneDx Variant Classification (06012015). Collection method: clinical testing. Allele origin: germline. Affected: yes.
Comment: A variant of uncertain significance has been identified in the COL6A3 gene. The I3095T variant has not been published as a pathogenic variant, nor has it been reported as a benign variant to our knowledge. The I3095T variant is not observed in large population cohorts (Lek et al., 2016; 1000 Genomes Consortium et al., 2015; Exome Variant Server). The I3095T variant is a non-conservative amino acid substitution, which is likely to impact secondary protein structure as these residues differ in polarity, charge, size and/or other properties. However, this substitution occurs at a position where amino acids with similar properties to Isoleucine are tolerated across species. In silico analysis is inconsistent in its predictions as to whether or not the variant is damaging to the protein structure/function. Therefore, based on the currently available information, it is unclear whether this variant is a pathogenic variant or a rare benign variant.